The following is an entry in ClinVar:

NM_152268.4(PARS2):c.133G>A (p.Val45Met)

Gene: PARS2 (prolyl-tRNA synthetase 2, mitochondrial; minus strand). Cytogenetic location: 1p32.3.
Variant type: single nucleotide variant.
Coding change: c.133G>A on transcript NM_152268.4 (MANE Select); coding-DNA position 133, G replaced by A.
Protein change: p.Val45Met; replaces valine 45 with methionine.
Molecular consequence: missense variant.
Genome position (GRCh38, 1-based): chr1:54,759,029, C>T on the plus strand (G>A on the coding strand, the complement: PARS2 is on the minus strand). VCF-style: chr1-54759029-C-T. GRCh37 (hg19) VCF-style: chr1-55224702-C-T.
Other names: short protein forms V45M.
Identifiers: ClinVar variation 1392792 (VCV001392792.3), dbSNP rs749761872, ClinGen allele CA869544.

ClinVar aggregate classification (germline): Uncertain significance (1 of 4 stars; one submission).

Allele frequency attached by ClinVar (database versions not stated): gnomAD exomes below 0.00001; ExAC 0.00001; gnomAD 0.00001; TOPMed 0.00001.

Submission:

Labcorp Genetics (formerly Invitae), Labcorp
Classification: Uncertain significance. Last evaluated: 2021-11-12. Review status: criteria provided, single submitter. Criteria: Invitae Variant Classification Sherloc (09022015). Collection method: clinical testing. Allele origin: germline.
Comment: This sequence change replaces valine, which is neutral and non-polar, with methionine, which is neutral and non-polar, at codon 45 of the PARS2 protein (p.Val45Met). This variant is present in population databases (rs749761872, gnomAD 0.0009%). This variant has not been reported in the literature in individuals affected with PARS2-related conditions. Algorithms developed to predict the effect of missense changes on protein structure and function output the following: SIFT: "Tolerated"; PolyPhen-2: "Benign"; Align-GVGD: "Class C0". The methionine amino acid residue is found in multiple mammalian species, which suggests that this missense change does not adversely affect protein function. In summary, the available evidence is currently insufficient to determine the role of this variant in disease. Therefore, it has been classified as a Variant of Uncertain Significance.